The following is an entry in ClinVar:

NM_000186.4(CFH):c.1336+2136G>C

Gene: CFH (complement factor H; plus strand). Cytogenetic location: 1q31.3.
Variant type: single nucleotide variant.
Coding change: c.1336+2136G>C on transcript NM_000186.4 (MANE Select); 2136 bases into the intron after coding-DNA position 1336, G replaced by C.
Molecular consequence: intron variant.
Genome position (GRCh38, 1-based): chr1:196,692,375, G>C. VCF-style: chr1-196692375-G-C. GRCh37 (hg19) VCF-style: chr1-196661505-G-C.
Other names: c.1336+2136G>C (NM_001014975.3).
Identifiers: ClinVar variation 4291383 (VCV004291383.1).

ClinVar aggregate classification (germline): Benign (1 of 4 stars; one submission).

Conditions:
Atypical hemolytic-uremic syndrome. Identifiers: Orphanet 2134, MedGen C2931788, MONDO:0016244.
Basal laminar drusen. Also called: DRUSEN OF BRUCH MEMBRANE; DRUSEN, CUTICULAR; DRUSEN, EARLY ADULT-ONSET, GROUPED. Identifiers: Orphanet 75376, MedGen C0730295, MONDO:0007472, OMIM 126700.
Factor H deficiency (CFHD). Also called: COMPLEMENT FACTOR H DEFICIENCY; CFH DEFICIENCY. Identifiers: Orphanet 200421, MedGen C0398777, MONDO:0012350, OMIM 609814.
Age related macular degeneration 4. Identifiers: MedGen C1853147, MONDO:0012540, OMIM 610698.

gnomAD v4.1: 474,916 of 800,600 alleles (59%); highest among the groups gnomAD compares: East Asian, 94%; 143,993 homozygotes.

Submission:

Genomenon, Inc
Classification: Benign for Basal laminar drusen; Age related macular degeneration 4; Atypical hemolytic-uremic syndrome; Factor H deficiency. Last evaluated: 2025-10-02. Review status: criteria provided, single submitter. Criteria: Genomenon Sequence Variant Interpretation Standards - Updated. Collection method: curation. Allele origin: germline. Affected: no.
Comment: CFH c.1336+2136G>C is a deep intronic variant located in intron 9. This variant is present at high allele frequency in population databases. In conclusion, we classify CFH c.1336+2136G>C as a benign variant.